The following is an entry in ClinVar:

NM_172362.3(KCNH1):c.1462+5G>A

Gene: KCNH1 (potassium voltage-gated channel subfamily H member 1; minus strand). Cytogenetic location: 1q32.2.
Variant type: single nucleotide variant.
Coding change: c.1462+5G>A on transcript NM_172362.3 (MANE Select); 5 bases into the intron after coding-DNA position 1462, G replaced by A.
Molecular consequence: intron variant.
Genome position (GRCh38, 1-based): chr1:210,919,635, C>T on the plus strand (G>A on the coding strand, the complement: KCNH1 is on the minus strand). VCF-style: chr1-210919635-C-T. GRCh37 (hg19) VCF-style: chr1-211092977-C-T.
Other names: c.1381+5G>A (NM_002238.4).
Identifiers: ClinVar variation 2978855 (VCV002978855.3), dbSNP rs2527119624, ClinGen allele CA2740090485.
Genomic context (GRCh38, chr1:210,919,635, plus strand): 5'-GCCATTTCCCTGTTTCCAGCTAACAGAAGAGATGGCCAACCCCACCCCAGCACTGTCATA[C>T]TTACAGCCAATCATCATGATGGCCACTGCAAAGATCTTCTCAATGTCTGTGGATGGGGCG-3'

ClinVar aggregate classification (germline): Uncertain significance (1 of 4 stars; one submission).

Submission:

Labcorp Genetics (formerly Invitae), Labcorp
Classification: Uncertain significance. Last evaluated: 2024-11-03. Review status: criteria provided, single submitter. Criteria: Invitae Variant Classification Sherloc (09022015). Collection method: clinical testing. Allele origin: germline.
Comment: This sequence change falls in intron 7 of the KCNH1 gene. It does not directly change the encoded amino acid sequence of the KCNH1 protein. It affects a nucleotide within the consensus splice site. This variant is not present in population databases (gnomAD no frequency). This variant has not been reported in the literature in individuals affected with KCNH1-related conditions. ClinVar contains an entry for this variant (Variation ID: 2978855). Variants that disrupt the consensus splice site are a relatively common cause of aberrant splicing (PMID: 17576681, 9536098). Algorithms developed to predict the effect of sequence changes on RNA splicing suggest that this variant may disrupt the consensus splice site. In summary, the available evidence is currently insufficient to determine the role of this variant in disease. Therefore, it has been classified as a Variant of Uncertain Significance.

Literature cited by the submitters: PubMed 17576681; PubMed 9536098.